The following is an entry in ClinVar:

ClinVar aggregate classification (germline): Conflicting classifications of pathogenicity. Review status: criteria provided, conflicting classifications (1 of 4 stars). 2 submissions from 2 submitters: Uncertain significance (1); Likely benign (1). Last evaluated 2025-07-30.

Conditions:
Hereditary cancer-predisposing syndrome. Also called: Hereditary Cancer Syndrome; Tumor predisposition; Neoplastic Syndromes, Hereditary; Hereditary neoplastic syndrome. Identifiers: Orphanet 140162, MedGen C0027672, MeSH D009386, MONDO:0015356.
Gastrointestinal stromal tumor. Also called: Gastrointestinal stromal tumor, somatic; Gastrointestinal stroma tumor. Identifiers: Orphanet 44890, MedGen C0238198, MeSH D046152, MONDO:0011719, OMIM 606764, HP:0100723.

Allele frequency attached by ClinVar (database versions not stated): TOPMed below 0.00001.

Submissions (2):

Labcorp Genetics (formerly Invitae), Labcorp
Classification: Uncertain significance for Gastrointestinal stromal tumor. Last evaluated: 2025-07-30. Review status: criteria provided, single submitter. Criteria: Invitae Variant Classification Sherloc (09022015). Collection method: clinical testing. Allele origin: germline.
Comment: This sequence change replaces serine, which is neutral and polar, with leucine, which is neutral and non-polar, at codon 984 of the PDGFRA protein (p.Ser984Leu). This variant is not present in population databases (gnomAD no frequency). This variant has not been reported in the literature in individuals affected with PDGFRA-related conditions. ClinVar contains an entry for this variant (Variation ID: 579391). Invitae Evidence Modeling of protein sequence and biophysical properties (such as structural, functional, and spatial information, amino acid conservation, physicochemical variation, residue mobility, and thermodynamic stability) indicates that this missense variant is not expected to disrupt PDGFRA protein function with a negative predictive value of 80%. In summary, the available evidence is currently insufficient to determine the role of this variant in disease. Therefore, it has been classified as a Variant of Uncertain Significance.

Ambry Genetics
Classification: Likely benign for Hereditary cancer-predisposing syndrome. Last evaluated: 2024-12-19. Review status: criteria provided, single submitter. Criteria: Ambry Variant Classification Scheme 2023. Collection method: clinical testing. Allele origin: germline.

NM_006206.6(PDGFRA):c.2951C>T (p.Ser984Leu)

Gene: PDGFRA (platelet derived growth factor receptor alpha; plus strand). Cytogenetic location: 4q12.
Variant type: single nucleotide variant.
Coding change: c.2951C>T on transcript NM_006206.6 (MANE Select); coding-DNA position 2951, C replaced by T.
Protein change: p.Ser984Leu; replaces serine 984 with leucine.
Molecular consequence: missense variant.
Genome position (GRCh38, 1-based): chr4:54,290,383, C>T. VCF-style: chr4-54290383-C-T. GRCh37 (hg19) VCF-style: chr4-55156550-C-T.
Other names: c.3026C>T, p.Ser1009Leu (NM_001347828.2); c.2951C>T, p.Ser984Leu (NM_001347829.2); c.2990C>T, p.Ser997Leu (NM_001347830.2); short protein forms S984L, S1009L, S997L.
Identifiers: ClinVar variation 579391 (VCV000579391.15), dbSNP rs1560492942, ClinGen allele CA356896058.